The following is an entry in ClinVar:

ClinVar aggregate classification (germline): Uncertain significance. Review status: criteria provided, single submitter (1 of 4 stars). 2 submissions from 2 submitters: Uncertain significance (1). 1 of the submissions does not count toward it. Last evaluated 2022-02-24.

Conditions:
Joubert syndrome. Also called: Familial aplasia of the vermis; CEREBELLOPARENCHYMAL DISORDER IV; JOUBERT-BOLTSHAUSER SYNDROME. Identifiers: Orphanet 475, MedGen C5979921, MONDO:0018772.
Meckel-Gruber syndrome. Also called: Dysencephalia splachnocystica; DYSENCEPHALIA SPLANCHNOCYSTICA; GRUBER SYNDROME. Identifiers: Orphanet 564, MedGen C0265215, MONDO:0018921.

Submissions (2):

Labcorp Genetics (formerly Invitae), Labcorp
Classification: Uncertain significance for Joubert syndrome; Meckel-Gruber syndrome. Last evaluated: 2022-02-24. Review status: criteria provided, single submitter. Criteria: Invitae Variant Classification Sherloc (09022015). Collection method: clinical testing. Allele origin: germline.
Comment: In summary, the available evidence is currently insufficient to determine the role of this variant in disease. Therefore, it has been classified as a Variant of Uncertain Significance. Algorithms developed to predict the effect of sequence changes on RNA splicing suggest that this variant may create or strengthen a splice site. Algorithms developed to predict the effect of missense changes on protein structure and function are either unavailable or do not agree on the potential impact of this missense change (SIFT: "Deleterious"; PolyPhen-2: "Possibly Damaging"; Align-GVGD: "Class C0"). ClinVar contains an entry for this variant (Variation ID: 1023747). This variant has not been reported in the literature in individuals affected with RPGRIP1L-related conditions. This variant is not present in population databases (gnomAD no frequency). This sequence change replaces leucine, which is neutral and non-polar, with methionine, which is neutral and non-polar, at codon 57 of the RPGRIP1L protein (p.Leu57Met).

Natera, Inc.
Classification: Uncertain significance for Joubert syndrome. Last evaluated: 2025-01-10. Review status: no assertion criteria provided. Collection method: clinical testing. Allele origin: germline. Not counted in ClinVar's aggregate classification.

NM_015272.5(RPGRIP1L):c.169T>A (p.Leu57Met)

Gene: RPGRIP1L (RPGRIP1 like; minus strand). Cytogenetic location: 16q12.2.
Variant type: single nucleotide variant.
Coding change: c.169T>A on transcript NM_015272.5 (MANE Select); coding-DNA position 169, T replaced by A.
Protein change: p.Leu57Met; replaces leucine 57 with methionine.
Molecular consequence: missense variant.
Genome position (GRCh38, 1-based): chr16:53,696,212, A>T on the plus strand (T>A on the coding strand, the complement: RPGRIP1L is on the minus strand). VCF-style: chr16-53696212-A-T. GRCh37 (hg19) VCF-style: chr16-53730124-A-T.
Other names: c.169T>A, p.Leu57Met (NM_001127897.4, NM_001308334.3, NM_001328422.2 and 2 more transcripts); c.169T>A (NM_015272.4); short protein forms L57M.
Identifiers: ClinVar variation 1023747 (VCV001023747.10), dbSNP rs1970745367, ClinGen allele CA395925938.